The following is an entry in ClinVar:

ClinVar aggregate classification (germline): Conflicting classifications of pathogenicity. Review status: criteria provided, conflicting classifications (1 of 4 stars). 2 submissions from 2 submitters: Likely pathogenic (1); Uncertain significance (1). Last evaluated 2025-11-26.

Conditions:
Autosomal recessive limb-girdle muscular dystrophy type 2J (LGMDR10). Also called: MUSCULAR DYSTROPHY, LIMB-GIRDLE, AUTOSOMAL RECESSIVE 10; Limb-girdle muscular dystrophy, type 2J. Identifiers: Orphanet 140922, MedGen C1837342, MONDO:0012127, OMIM 608807.
Dilated cardiomyopathy 1G (CMD1G). Identifiers: Orphanet 154, MedGen C1858763, MONDO:0011400, OMIM 604145.

gnomAD v4.1: 1 of 1,612,640 alleles (0.000062%); no homozygotes.

Submissions (2):

Labcorp Genetics (formerly Invitae), Labcorp
Classification: Likely pathogenic for Dilated cardiomyopathy 1G; Autosomal recessive limb-girdle muscular dystrophy type 2J. Last evaluated: 2025-11-26. Review status: criteria provided, single submitter. Criteria: Invitae Variant Classification Sherloc (09022015). Collection method: clinical testing. Allele origin: germline.
Comment: This sequence change affects a donor splice site in intron 269 of the TTN gene. It is expected to disrupt RNA splicing and likely results in a truncated or disrupted TTN protein. This variant is not present in population databases (gnomAD no frequency). This variant has not been reported in the literature in individuals affected with TTN-related conditions. ClinVar contains an entry for this variant (Variation ID: 1068196). Algorithms developed to predict the effect of sequence changes on RNA splicing suggest that this variant may disrupt the consensus splice site. This variant is located in the A band of TTN (PMID: 25589632). Truncating variants in this region are significantly overrepresented in patients affected with dilated cardiomyopathy (PMID: 25589632). Truncating variants in this region have also been reported in individuals affected with autosomal recessive centronuclear myopathy (PMID: 23975875). In summary, the currently available evidence indicates that the variant is pathogenic, but additional data are needed to prove that conclusively. Therefore, this variant has been classified as Likely Pathogenic.

Blueprint Genetics
Classification: Uncertain significance. Last evaluated: 2023-06-07. Review status: criteria provided, single submitter. Criteria: ACMG Guidelines, 2015. Collection method: clinical testing. Allele origin: germline.

Literature cited by the submitters: PubMed 25589632 (cited by Labcorp Genetics (formerly Invitae), Labcorp); PubMed 23975875 (cited by Labcorp Genetics (formerly Invitae), Labcorp).

NM_001267550.2(TTN):c.50857+1G>A

Genes: TTN (titin; minus strand), TTN-AS1 (TTN antisense RNA 1; plus strand). Cytogenetic location: 2q31.2.
Variant type: single nucleotide variant.
Coding change: c.50857+1G>A on transcript NM_001267550.2 (MANE Select); the canonical splice donor site of the intron after coding-DNA position 50857, G replaced by A.
Molecular consequence: splice donor variant.
Genome position (GRCh38, 1-based): chr2:178,611,371, C>T on the plus strand (G>A on the coding strand, the complement: TTN is on the minus strand). VCF-style: chr2-178611371-C-T. GRCh37 (hg19) VCF-style: chr2-179476098-C-T.
Other names: c.23662+1G>A (NM_003319.4); c.24238+1G>A (NM_133437.4); c.24037+1G>A (NM_133432.3); c.43153+1G>A (NM_133378.4); c.45934+1G>A (NM_001256850.1).
Identifiers: ClinVar variation 1068196 (VCV001068196.10), dbSNP rs2154199718, ClinGen allele CA349591689.